The following is an entry in ClinVar:

ClinVar aggregate classification (germline): Uncertain significance. Review status: criteria provided, multiple submitters, no conflicts (2 of 4 stars). 2 submissions from 2 submitters: Uncertain significance (2). Last evaluated 2025-01-27.

Conditions:
Desbuquois dysplasia 1 (DBQD1). Also called: DESBUQUOIS DYSPLASIA 1, KIM VARIANT; MICROMELIC DWARFISM WITH VERTEBRAL AND METAPHYSEAL ABNORMALITIES AND ADVANCED CARPOTARSAL OSSIFICATION. Identifiers: Orphanet 1425, MedGen C4012146, MONDO:0009629, OMIM 251450.
Inborn genetic diseases. Identifiers: MedGen C0950123, MeSH D030342.

Allele frequency attached by ClinVar (database versions not stated): 1000 Genomes Project 30x 0.00016; 1000 Genomes Project 0.00020; ExAC 0.00021; gnomAD exomes 0.00025 and 0.00055; gnomAD 0.00029 and 0.00030; TOPMed 0.00033; ESP Exome Variant Server 0.00046.
gnomAD v4.1: 841 of 1,611,268 alleles (0.052%); highest among the groups gnomAD compares: Non-Finnish European, 0.067%; 1 homozygote.

Submissions (2):

Labcorp Genetics (formerly Invitae), Labcorp
Classification: Uncertain significance for Desbuquois dysplasia 1. Last evaluated: 2025-01-27. Review status: criteria provided, single submitter. Criteria: Invitae Variant Classification Sherloc (09022015). Collection method: clinical testing. Allele origin: germline.
Comment: This sequence change replaces proline, which is neutral and non-polar, with arginine, which is basic and polar, at codon 852 of the XYLT1 protein (p.Pro852Arg). This variant is present in population databases (rs147284278, gnomAD 0.04%). This variant has not been reported in the literature in individuals affected with XYLT1-related conditions. ClinVar contains an entry for this variant (Variation ID: 1495150). An algorithm developed to predict the effect of missense changes on protein structure and function (PolyPhen-2) suggests that this variant¬†is likely to be tolerated. In summary, the available evidence is currently insufficient to determine the role of this variant in disease. Therefore, it has been classified as a Variant of Uncertain Significance.

Ambry Genetics
Classification: Uncertain significance for Inborn genetic diseases. Last evaluated: 2023-12-17. Review status: criteria provided, single submitter. Criteria: Ambry Variant Classification Scheme 2023. Collection method: clinical testing. Allele origin: germline.

NM_022166.4(XYLT1):c.2555C>G (p.Pro852Arg)

Gene: XYLT1 (xylosyltransferase 1; minus strand). Cytogenetic location: 16p12.3.
Variant type: single nucleotide variant.
Coding change: c.2555C>G on transcript NM_022166.4 (MANE Select); coding-DNA position 2555, C replaced by G.
Protein change: p.Pro852Arg; replaces proline 852 with arginine.
Molecular consequence: missense variant.
Genome position (GRCh38, 1-based): chr16:17,117,648, G>C on the plus strand (C>G on the coding strand, the complement: XYLT1 is on the minus strand). VCF-style: chr16-17117648-G-C. GRCh37 (hg19) VCF-style: chr16-17211505-G-C.
Other names: c.2555C>G (NM_022166.3); short protein forms P852R.
Identifiers: ClinVar variation 1495150 (VCV001495150.5), dbSNP rs147284278, ClinGen allele CA7927557.